The following is an entry in ClinVar:

NM_000501.4(ELN):c.1858G>C (p.Gly620Arg)

Gene: ELN (elastin; plus strand). Cytogenetic location: 7q11.23.
Variant type: single nucleotide variant.
Coding change: c.1858G>C on transcript NM_000501.4 (MANE Select); coding-DNA position 1858, G replaced by C.
Protein change: p.Gly620Arg; replaces glycine 620 with arginine.
Molecular consequence: missense variant.
Genome position (GRCh38, 1-based): chr7:74,063,224, G>C. VCF-style: chr7-74063224-G-C. GRCh37 (hg19) VCF-style: chr7-73477554-G-C.
Other names: c.1771G>C, p.Gly591Arg (NM_001081752.3); c.1816G>C, p.Gly606Arg (NM_001081753.3); c.1873G>C, p.Gly625Arg (NM_001081754.3); c.1801G>C, p.Gly601Arg (NM_001081755.3); c.1858G>C, p.Gly620Arg (NM_001278912.2); c.1615G>C, p.Gly539Arg (NM_001278913.2); c.1786G>C, p.Gly596Arg (NM_001278914.2); c.1876G>C, p.Gly626Arg (NM_001278915.2); and 4 more; short protein forms G531R, G539R, G572R, G591R, G596R, G601R, G606R, G610R.
Identifiers: ClinVar variation 1026613 (VCV001026613.8), dbSNP rs727503034, ClinGen allele CA367889574.

ClinVar aggregate classification (germline): Uncertain significance (1 of 4 stars; one submission).

Conditions:
Supravalvar aortic stenosis (SVAS). Also called: Supravalvar aortic stenosis, Eisenberg type. Identifiers: Orphanet 3193, MedGen C0003499, MONDO:0008504, OMIM 185500, HP:0004381.

Submission:

Labcorp Genetics (formerly Invitae), Labcorp
Classification: Uncertain significance for Supravalvar aortic stenosis. Last evaluated: 2020-12-25. Review status: criteria provided, single submitter. Criteria: Invitae Variant Classification Sherloc (09022015). Collection method: clinical testing. Allele origin: germline.
Comment: In summary, the available evidence is currently insufficient to determine the role of this variant in disease. Therefore, it has been classified as a Variant of Uncertain Significance. Nucleotide substitutions within the consensus splice site are a relatively common cause of aberrant splicing (PMID: 17576681, 9536098). Algorithms developed to predict the effect of sequence changes on RNA splicing suggest that this variant may disrupt the consensus splice site, but this prediction has not been confirmed by published transcriptional studies. Algorithms developed to predict the effect of missense changes on protein structure and function are either unavailable or do not agree on the potential impact of this missense change (SIFT: "Deleterious"; PolyPhen-2: "Not Available"; Align-GVGD: "Class C0"). This variant has been observed in individual(s) with supravalvular aortic stenosis (Invitae). This variant is not present in population databases (ExAC no frequency). This sequence change replaces glycine with arginine at codon 682 of the ELN protein (p.Gly682Arg). The glycine residue is moderately conserved and there is a moderate physicochemical difference between glycine and arginine. This variant also falls at the last nucleotide of exon 28, which is part of the consensus splice site for this exon.

Literature cited by the submitters: PubMed 17576681; PubMed 9536098.